The following is an entry in ClinVar:

ClinVar aggregate classification (germline): Uncertain significance. Review status: criteria provided, multiple submitters, no conflicts (2 of 4 stars). 2 submissions from 2 submitters: Uncertain significance (2). Last evaluated 2025-08-29.

Conditions:
Inborn genetic diseases. Identifiers: MedGen C0950123, MeSH D030342.

Submissions (2):

Ambry Genetics
Classification: Uncertain significance for Inborn genetic diseases. Last evaluated: 2025-08-29. Review status: criteria provided, single submitter. Criteria: Ambry Variant Classification Scheme 2023. Collection method: clinical testing. Allele origin: germline.

GeneDx
Classification: Uncertain significance. Last evaluated: 2023-12-02. Review status: criteria provided, single submitter. Criteria: GeneDx Variant Classification Process June 2021. Collection method: clinical testing. Allele origin: germline. Affected: yes.
Comment: Not observed at significant frequency in large population cohorts (gnomAD); In silico analysis supports that this missense variant has a deleterious effect on protein structure/function; Has not been previously published as pathogenic or benign to our knowledge

NM_004380.3(CREBBP):c.1343C>G (p.Ser448Cys)

Gene: CREBBP (CREB binding lysine acetyltransferase; minus strand). Cytogenetic location: 16p13.3.
Variant type: single nucleotide variant.
Coding change: c.1343C>G on transcript NM_004380.3 (MANE Select); coding-DNA position 1343, C replaced by G.
Protein change: p.Ser448Cys; replaces serine 448 with cysteine.
Molecular consequence: missense variant.
Genome position (GRCh38, 1-based): chr16:3,782,914, G>C on the plus strand (C>G on the coding strand, the complement: CREBBP is on the minus strand). VCF-style: chr16-3782914-G-C. GRCh37 (hg19) VCF-style: chr16-3832915-G-C.
Other names: c.1229C>G, p.Ser410Cys (NM_001079846.1); short protein forms S410C, S448C.
Identifiers: ClinVar variation 1696958 (VCV001696958.4), dbSNP rs2141253079, ClinGen allele CA394558566.